The following is an entry in ClinVar:

ClinVar aggregate classification (germline): Uncertain significance (1 of 4 stars; one submission).

Conditions:
Neuropathy, hereditary sensory and autonomic, type 2A (HSAN2A). Also called: HSAN IIA; WNK1-Related HSAN2 (HSAN2A); ACROOSTEOLYSIS, GIACCAI TYPE; ACROOSTEOLYSIS, NEUROGENIC; MORVAN DISEASE; NEUROPATHY, CONGENITAL SENSORY. Identifiers: Orphanet 970, MedGen C2752089, MONDO:0024309, OMIM 201300.
Pseudohypoaldosteronism type 2C (PHA2C). Also called: Pseudohypoaldosteronism Type IIC. Identifiers: Orphanet 757, Orphanet 88940, MedGen C1840391, MONDO:0013778, OMIM 614492.

Submission:

Labcorp Genetics (formerly Invitae), Labcorp
Classification: Uncertain significance for Neuropathy, hereditary sensory and autonomic, type 2A; Pseudohypoaldosteronism type 2C. Last evaluated: 2024-08-01. Review status: criteria provided, single submitter. Criteria: Invitae Variant Classification Sherloc (09022015). Collection method: clinical testing. Allele origin: germline.
Comment: This sequence change replaces aspartic acid, which is acidic and polar, with valine, which is neutral and non-polar, at codon 2221 of the WNK1 protein (p.Asp2221Val). This variant is not present in population databases (gnomAD no frequency). This variant has not been reported in the literature in individuals affected with WNK1-related conditions. Advanced modeling of protein sequence and biophysical properties (such as structural, functional, and spatial information, amino acid conservation, physicochemical variation, residue mobility, and thermodynamic stability) performed at Invitae indicates that this missense variant is not expected to disrupt WNK1 protein function with a negative predictive value of 95%. In summary, the available evidence is currently insufficient to determine the role of this variant in disease. Therefore, it has been classified as a Variant of Uncertain Significance.

NM_018979.4(WNK1):c.5906A>T (p.Asp1969Val)

Gene: WNK1 (WNK lysine deficient protein kinase 1; plus strand). Cytogenetic location: 12p13.33.
Variant type: single nucleotide variant.
Coding change: c.5906A>T on transcript NM_018979.4 (MANE Select); coding-DNA position 5906, A replaced by T.
Protein change: p.Asp1969Val; replaces aspartic acid 1969 with valine.
Molecular consequence: missense variant.
Genome position (GRCh38, 1-based): chr12:896,393, A>T. VCF-style: chr12-896393-A-T. GRCh37 (hg19) VCF-style: chr12-1005559-A-T.
Other names: c.6686A>T, p.Asp2229Val (NM_001184985.2); c.5162A>T, p.Asp1721Val (NM_014823.3); c.6662A>T, p.Asp2221Val (NM_213655.5); short protein forms D1721V, D1969V, D2221V, D2229V.
Identifiers: ClinVar variation 3763090 (VCV003763090.2).